The following is an entry in ClinVar:

NM_002485.5(NBN):c.80G>T (p.Gly27Val)

Gene: NBN (nibrin; minus strand). Cytogenetic location: 8q21.3.
Variant type: single nucleotide variant.
Coding change: c.80G>T on transcript NM_002485.5 (MANE Select); coding-DNA position 80, G replaced by T.
Protein change: p.Gly27Val; replaces glycine 27 with valine.
Molecular consequence: missense variant. On other transcripts: 5 prime UTR variant (1).
Genome position (GRCh38, 1-based): chr8:89,982,813, C>A on the plus strand (G>T on the coding strand, the complement: NBN is on the minus strand). VCF-style: chr8-89982813-C-A. GRCh37 (hg19) VCF-style: chr8-90995041-C-A.
Other names: c.-217G>T (NM_001024688.3); short protein forms G27V.
Identifiers: ClinVar variation 239208 (VCV000239208.25), dbSNP rs755171159, ClinGen allele CA4803058.

ClinVar aggregate classification (germline): Uncertain significance. Review status: criteria provided, multiple submitters, no conflicts (2 of 4 stars). 7 submissions from 7 submitters: Uncertain significance (6). 1 of the submissions does not count toward it. Last evaluated 2025-02-27.

Conditions:
Hereditary cancer-predisposing syndrome. Also called: Neoplastic Syndromes, Hereditary; Tumor predisposition; Hereditary neoplastic syndrome; Hereditary Cancer Syndrome. Identifiers: Orphanet 140162, MedGen C0027672, MeSH D009386, MONDO:0015356.
Microcephaly, normal intelligence and immunodeficiency (NBS). Also called: Ataxia telangiectasia variant V1; Nijmegen breakage syndrome; Microcephaly with normal intelligence immunodeficiency and lymphoreticular malignancies; Nonsyndromal microcephaly autosomal recessive with normal intelligence; Seemanova syndrome 2; IMMUNODEFICIENCY, MICROCEPHALY, AND CHROMOSOMAL INSTABILITY. Identifiers: Orphanet 647, MedGen C0398791, MONDO:0009623, OMIM 251260.
Aplastic anemia. Identifiers: Orphanet 182040, Orphanet 88, MedGen C0002874, MONDO:0015909, OMIM 609135, HP:0001915.

Allele frequency attached by ClinVar (database versions not stated): gnomAD exomes 0.00001; ExAC 0.00002; gnomAD 0.00002 and 0.00003; TOPMed 0.00002.
gnomAD v4.1: 6 of 1,613,546 alleles (0.00037%); highest among the groups gnomAD compares: African/African-American, 0.0067%; no homozygotes.

Submissions (7):

Ambry Genetics
Classification: Uncertain significance for Hereditary cancer-predisposing syndrome. Last evaluated: 2025-02-27. Review status: criteria provided, single submitter. Criteria: Ambry Variant Classification Scheme 2023. Collection method: clinical testing. Allele origin: germline.
Comment: The p.G27V variant (also known as c.80G>T), located in coding exon 2 of the NBN gene, results from a G to T substitution at nucleotide position 80. The glycine at codon 27 is replaced by valine, an amino acid with dissimilar properties. This amino acid position is highly conserved in available vertebrate species. In addition, this alteration is predicted to be deleterious by in silico analysis. Since supporting evidence is limited at this time, the clinical significance of this alteration remains unclear.

Baylor Genetics
Classification: Uncertain significance for Aplastic anemia. Last evaluated: 2024-01-22. Review status: criteria provided, single submitter. Criteria: ACMG Guidelines, 2015. Collection method: clinical testing. Allele origin: unknown.

Labcorp Genetics (formerly Invitae), Labcorp
Classification: Uncertain significance for Microcephaly, normal intelligence and immunodeficiency. Last evaluated: 2023-11-10. Review status: criteria provided, single submitter. Criteria: Invitae Variant Classification Sherloc (09022015). Collection method: clinical testing. Allele origin: germline.
Comment: This sequence change replaces glycine, which is neutral and non-polar, with valine, which is neutral and non-polar, at codon 27 of the NBN protein (p.Gly27Val). This variant is present in population databases (rs755171159, gnomAD 0.01%). This variant has not been reported in the literature in individuals affected with NBN-related conditions. ClinVar contains an entry for this variant (Variation ID: 239208). An algorithm developed to predict the effect of missense changes on protein structure and function (PolyPhen-2) suggests that this variant is likely to be disruptive. RNA analysis performed to evaluate the impact of this missense change on mRNA splicing indicates it does not significantly alter splicing (Invitae). In summary, the available evidence is currently insufficient to determine the role of this variant in disease. Therefore, it has been classified as a Variant of Uncertain Significance.

Genome-Nilou Lab
Classification: Uncertain significance for Microcephaly, normal intelligence and immunodeficiency. Last evaluated: 2021-11-07. Review status: criteria provided, single submitter. Criteria: ACMG Guidelines, 2015. Collection method: clinical testing. Allele origin: germline. Affected: no.

GeneDx
Classification: Uncertain significance. Last evaluated: 2018-08-10. Review status: criteria provided, single submitter. Criteria: GeneDx Variant Classification Process June 2021. Collection method: clinical testing. Allele origin: germline. Affected: yes.
Comment: Has not been previously published as pathogenic or benign to our knowledge; In silico analysis supports that this missense variant has a deleterious effect on protein structure/function; Not observed at a significant frequency in large population cohorts (Lek 2016)

Mendelics
Classification: Uncertain significance for Microcephaly, normal intelligence and immunodeficiency. Last evaluated: 2018-07-02. Review status: criteria provided, single submitter. Criteria: Mendelics Assertion Criteria 2017. Collection method: clinical testing. Allele origin: unknown.

Natera, Inc.
Classification: Uncertain significance for Nijmegen breakage syndrome. Last evaluated: 2020-03-20. Review status: no assertion criteria provided. Collection method: clinical testing. Allele origin: germline. Not counted in ClinVar's aggregate classification.